The following is an entry in ClinVar:

ClinVar aggregate classification (germline): Likely benign. Review status: criteria provided, multiple submitters, no conflicts (2 of 4 stars). 3 submissions from 3 submitters: Likely benign (3). Last evaluated 2026-01-05.

Conditions:
CNNM4-related disorder. Also called: CNNM4-related condition.

Allele frequency attached by ClinVar (database versions not stated): gnomAD exomes 0.00004 and 0.00013; gnomAD 0.00005; ExAC 0.00007; TOPMed 0.00015; 1000 Genomes Project 30x 0.00016; 1000 Genomes Project 0.00020.

Submissions (3):

Labcorp Genetics (formerly Invitae), Labcorp
Classification: Likely benign. Last evaluated: 2026-01-05. Review status: criteria provided, single submitter. Criteria: Invitae Variant Classification Sherloc (09022015). Collection method: clinical testing. Allele origin: germline.

PreventionGenetics, part of Exact Sciences
Classification: Likely benign for CNNM4-related condition. Last evaluated: 2024-12-06. Review status: criteria provided, single submitter. Criteria: ACMG Guidelines, 2015. Collection method: clinical testing. Allele origin: germline.
Comment: This variant is classified as likely benign based on ACMG/AMP sequence variant interpretation guidelines (Richards et al. 2015 PMID: 25741868, with internal and published modifications).

Blueprint Genetics
Classification: Likely benign. Last evaluated: 2023-01-11. Review status: criteria provided, single submitter. Criteria: ACMG Guidelines, 2015. Collection method: clinical testing. Allele origin: germline.

NM_020184.4(CNNM4):c.702C>T (p.Pro234=)

Gene: CNNM4 (cyclin and CBS domain divalent metal cation transport mediator 4; plus strand). Cytogenetic location: 2q11.2.
Variant type: single nucleotide variant.
Coding change: c.702C>T on transcript NM_020184.4 (MANE Select); coding-DNA position 702, C replaced by T.
Protein change: p.Pro234=; no amino-acid change (proline 234 retained).
Molecular consequence: synonymous variant.
Genome position (GRCh38, 1-based): chr2:96,761,701, C>T. VCF-style: chr2-96761701-C-T. GRCh37 (hg19) VCF-style: chr2-97427438-C-T.
Other names: c.702C>T (NM_020184.3).
Identifiers: ClinVar variation 1118822 (VCV001118822.11), dbSNP rs182308036, ClinGen allele CA1783249.
Genomic context (GRCh38, chr2:96,761,701, plus strand): 5'-GCGCATCGTGCAGAACTGTGGCACCGAGAAGGAGAGGCGCTATGCCCGCAAGATTGAGCC[C>T]ATCCGGCGCAAGGGCAACTACCTTCTCTGCTCGTTGCTCCTAGGGAACGTGCTGGTCAAC-3'
Protein context (NP_064569.3, residues 224-244): KERRYARKIE[Pro234=]IRRKGNYLLC